The following is an entry in ClinVar:

NM_000338.3(SLC12A1):c.746C>A (p.Ser249Tyr)

Gene: SLC12A1 (solute carrier family 12 member 1; plus strand). Cytogenetic location: 15q21.1.
Variant type: single nucleotide variant.
Coding change: c.746C>A on transcript NM_000338.3 (MANE Select); coding-DNA position 746, C replaced by A.
Protein change: p.Ser249Tyr; replaces serine 249 with tyrosine.
Molecular consequence: missense variant.
Genome position (GRCh38, 1-based): chr15:48,229,210, C>A. VCF-style: chr15-48229210-C-A. GRCh37 (hg19) VCF-style: chr15-48521407-C-A.
Other names: c.746C>A, p.Ser249Tyr (NM_001184832.2, NM_001384136.1); short protein forms S249Y.
Identifiers: ClinVar variation 5010282 (VCV005010282.1).

ClinVar aggregate classification (germline): Likely pathogenic (1 of 4 stars; one submission).

Conditions:
Renal tubulopathies.

gnomAD v4.1: 1 of 1,589,584 alleles (0.000063%); highest among the groups gnomAD compares: Non-Finnish European, 0.000086%; no homozygotes.

Submission:

Genetics Laboratory, Great Ormond Street Hospital NHS Foundation Trust, North Thames Genomic Laboratory Hub
Classification: Likely pathogenic for Renal tubulopathies. Last evaluated: 2026-08-05. Review status: criteria provided, single submitter. Criteria: ACGS Best Practice Guidelines for Variant Classification in Rare Disease 2024 v1.2. Collection method: clinical testing. Allele origin: germline. Affected: yes.
Comment: PM2_moderate, PP3_supporting, PM3_moderate, PP4_moderate